The following is an entry in ClinVar:

ClinVar aggregate classification (germline): Uncertain significance (1 of 4 stars; one submission).

Conditions:
Hepatic veno-occlusive disease-immunodeficiency syndrome. Also called: Hepatic Veno-Occlusive Disease with Immunodeficiency. Identifiers: Orphanet 79124, MedGen C1856128, MONDO:0009338, OMIM 235550. Disease mechanism: loss of function.

Allele frequency attached by ClinVar (database versions not stated): ExAC 0.00001; gnomAD exomes 0.00001 and below 0.00001; TOPMed below 0.00001.
gnomAD v4.1: 7 of 1,609,012 alleles (0.00044%); highest among the groups gnomAD compares: East Asian, 0.0045%; no homozygotes.

Submission:

Labcorp Genetics (formerly Invitae), Labcorp
Classification: Uncertain significance for Hepatic veno-occlusive disease-immunodeficiency syndrome. Last evaluated: 2019-12-16. Review status: criteria provided, single submitter. Criteria: Invitae Variant Classification Sherloc (09022015). Collection method: clinical testing. Allele origin: germline.
Comment: This sequence change replaces proline with leucine at codon 242 of the SP110 protein (p.Pro242Leu). The proline residue is moderately conserved and there is a moderate physicochemical difference between proline and leucine. In summary, the available evidence is currently insufficient to determine the role of this variant in disease. Therefore, it has been classified as a Variant of Uncertain Significance. Algorithms developed to predict the effect of missense changes on protein structure and function output the following: SIFT: "Deleterious"; PolyPhen-2: "Possibly Damaging"; Align-GVGD: "Class C0". The leucine amino acid residue is found in multiple mammalian species, suggesting that this missense change does not adversely affect protein function. These predictions have not been confirmed by published functional studies and their clinical significance is uncertain. This variant has not been reported in the literature in individuals with SP110-related conditions. This variant is present in population databases (rs765229595, ExAC 0.01%).

NM_080424.4(SP110):c.725C>T (p.Pro242Leu)

Genes: SP110 (SP110 nuclear body protein; minus strand), SP140 (SP140 nuclear body protein; plus strand). Cytogenetic location: 2q37.1.
Variant type: single nucleotide variant.
Coding change: c.725C>T on transcript NM_080424.4 (MANE Select); coding-DNA position 725, C replaced by T.
Protein change: p.Pro242Leu; replaces proline 242 with leucine.
Molecular consequence: missense variant.
Genome position (GRCh38, 1-based): chr2:230,211,496, G>A on the plus strand (C>T on the coding strand, the complement: SP110 is on the minus strand). VCF-style: chr2-230211496-G-A. GRCh37 (hg19) VCF-style: chr2-231076211-G-A.
Other names: c.743C>T, p.Pro248Leu (NM_001185015.2, NM_001378442.1, NM_001378444.1 and 2 more transcripts); c.725C>T, p.Pro242Leu (NM_001378443.1, NM_001378447.1, NM_004509.5 and 1 more transcripts); short protein forms P248L, P242L.
Identifiers: ClinVar variation 835891 (VCV000835891.9), dbSNP rs765229595, ClinGen allele CA2154751.